The following is an entry in ClinVar:

NM_015404.4(WHRN):c.2455G>A (p.Val819Met)

Gene: WHRN (whirlin; minus strand). Cytogenetic location: 9q32.
Variant type: single nucleotide variant.
Coding change: c.2455G>A on transcript NM_015404.4 (MANE Select); coding-DNA position 2455, G replaced by A.
Protein change: p.Val819Met; replaces valine 819 with methionine.
Molecular consequence: missense variant.
Genome position (GRCh38, 1-based): chr9:114,403,303, C>T on the plus strand (G>A on the coding strand, the complement: WHRN is on the minus strand). VCF-style: chr9-114403303-C-T. GRCh37 (hg19) VCF-style: chr9-117165583-C-T.
Other names: c.1306G>A, p.Val436Met (NM_001083885.3); c.2452G>A, p.Val818Met (NM_001173425.2); c.1402G>A, p.Val468Met (NM_001346890.1); short protein forms V819M, V468M, V818M, V436M.
Identifiers: ClinVar variation 666784 (VCV000666784.4), dbSNP rs1589057203, ClinGen allele CA374619285.

ClinVar aggregate classification (germline): Likely benign (1 of 4 stars; one submission).

gnomAD v4.1: 1 of 1,614,126 alleles (0.000062%); no homozygotes.

Submission:

Laboratory for Molecular Medicine, Mass General Brigham Personalized Medicine
Classification: Likely benign. Last evaluated: 2018-02-28. Review status: criteria provided, single submitter. Criteria: LMM Criteria. Collection method: clinical testing. Allele origin: germline. Observed: 1 variant allele.
Comment: p.Val819Met in exon 11 of WHRN: This variant is classified as likely benign due to a lack of conservation across species, including mammals. Of note, 3 mammals have a methionine (Met) at this position despite high nearby amino acid conserva tion. ACMG/AMP Criteria applied: PM2; BP4_Strong.